The following is an entry in ClinVar:

NM_025137.4(SPG11):c.64A>G (p.Met22Val)

Gene: SPG11 (SPG11 vesicle trafficking associated, spatacsin; minus strand). Cytogenetic location: 15q21.1.
Variant type: single nucleotide variant.
Coding change: c.64A>G on transcript NM_025137.4 (MANE Select); coding-DNA position 64, A replaced by G.
Protein change: p.Met22Val; replaces methionine 22 with valine.
Molecular consequence: missense variant.
Genome position (GRCh38, 1-based): chr15:44,663,584, T>C on the plus strand (A>G on the coding strand, the complement: SPG11 is on the minus strand). VCF-style: chr15-44663584-T-C. GRCh37 (hg19) VCF-style: chr15-44955782-T-C.
Other names: c.64A>G, p.Met22Val (NM_001160227.2); short protein forms M22V.
Identifiers: ClinVar variation 316118 (VCV000316118.33), dbSNP rs34255962, ClinGen allele CA7535961.

ClinVar aggregate classification (germline): Benign/Likely benign. Review status: criteria provided, multiple submitters, no conflicts (2 of 4 stars). 10 submissions from 8 submitters: Benign (2); Likely benign (8). Last evaluated 2026-07-01.

Conditions:
Hereditary spastic paraplegia. Also called: Familial spastic paraparesis. Identifiers: Orphanet 685, MedGen C0037773, MONDO:0019064. Disease mechanism: loss of function.
Charcot-Marie-Tooth disease axonal type 2X. Also called: CHARCOT-MARIE-TOOTH DISEASE, AXONAL, AUTOSOMAL RECESSIVE, TYPE 2X; CHARCOT-MARIE-TOOTH NEUROPATHY, TYPE 2X. Identifiers: Orphanet 466775, MedGen C5569024, MONDO:0014726, OMIM 616668.
Amyotrophic lateral sclerosis type 5 (ALS5). Also called: AMYOTROPHIC LATERAL SCLEROSIS 5, JUVENILE. Identifiers: Orphanet 300605, MedGen C1865864, MONDO:0011196, OMIM 602099.
Hereditary spastic paraplegia 11. Also called: Spastic Paraplegia 11; Spastic paraplegia, mental retardation and thin corpus callosum; Autosomal recessive hereditary spastic paraplegia, mental impairment, and thin corpus callosum; SPASTIC PARAPLEGIA, AUTOSOMAL RECESSIVE, COMPLICATED, WITH THIN CORPUS CALLOSUM; SPASTIC PARAPLEGIA, AUTOSOMAL RECESSIVE, WITH MENTAL IMPAIRMENT AND THIN CORPUS CALLOSUM; Nakamura Osame syndrome. Identifiers: Orphanet 2822, MedGen C1858479, MONDO:0011445, OMIM 604360.

Allele frequency attached by ClinVar (database versions not stated): ExAC 0.00109; ESP Exome Variant Server 0.00272; gnomAD 0.00336 and 0.00354; TOPMed 0.00354; 1000 Genomes Project 0.00359; 1000 Genomes Project 30x 0.00468.
gnomAD v4.1: 1,031 of 1,596,660 alleles (0.065%); highest among the groups gnomAD compares: African/African-American, 1.2%; 9 homozygotes.

Submissions (10):

CeGaT Center for Human Genetics Tuebingen
Classification: Likely benign. Last evaluated: 2026-07-01. Review status: criteria provided, single submitter. Criteria: CeGaT Center For Human Genetics Tuebingen Variant Classification Criteria Version 2. Collection method: clinical testing. Allele origin: germline. Affected: yes. Observed: 2 variant alleles.
Comment: SPG11: BS1

Labcorp Genetics (formerly Invitae), Labcorp
Classification: Benign for Hereditary spastic paraplegia 11. Last evaluated: 2026-02-02. Review status: criteria provided, single submitter. Criteria: Invitae Variant Classification Sherloc (09022015). Collection method: clinical testing. Allele origin: germline.

Athena Diagnostics
Classification: Benign. Last evaluated: 2025-03-06. Review status: criteria provided, single submitter. Criteria: Athena Diagnostics Criteria. Collection method: clinical testing. Allele origin: unknown.
Comment: The frequency of this variant in the general population is higher than would generally be expected for pathogenic variants in this gene.

GeneDx
Classification: Likely benign. Last evaluated: 2020-02-19. Review status: criteria provided, single submitter. Criteria: GeneDx Variant Classification Process June 2021. Collection method: clinical testing. Allele origin: germline. Affected: yes.
Comment: This variant is associated with the following publications: (PMID: 32166880)

Illumina Laboratory Services, Illumina
Classification: Likely benign for Hereditary spastic paraplegia 11. Last evaluated: 2018-01-12. Review status: criteria provided, single submitter. Criteria: ICSL Variant Classification Criteria 13 December 2019. Collection method: clinical testing. Allele origin: germline.
Comment: This variant was observed in the ICSL laboratory as part of a predisposition screen in an ostensibly healthy population. It had not been previously curated by ICSL or reported in the Human Gene Mutation Database (HGMD: prior to June 1st, 2018), and was therefore a candidate for classification through an automated scoring system. Utilizing variant allele frequency, disease prevalence and penetrance estimates, and inheritance mode, an automated score was calculated to assess if this variant is too frequent to cause the disease. Based on the score and internal cut-off values, a variant classified as likely benign is not then subjected to further curation. The score for this variant resulted in a classification of likely benign for this disease.

Genome Diagnostics Laboratory, The Hospital for Sick Children
Classification: Likely benign for Hereditary spastic paraplegia. Last evaluated: 2016-12-12. Review status: criteria provided, single submitter. Criteria: ACMG Guidelines, 2015. Collection method: clinical testing. Allele origin: germline. Affected: yes.

Breakthrough Genomics
Classification: Likely benign. Review status: criteria provided, single submitter. Criteria: ACMG Guidelines, 2015. Collection method: not provided. Allele origin: germline. Inheritance: Autosomal recessive inheritance. Affected: yes.

Genome-Nilou Lab
Classification: Likely benign for Amyotrophic lateral sclerosis type 5. Review status: criteria provided, single submitter. Criteria: ACMG Guidelines, 2015. Collection method: clinical testing. Allele origin: germline.

Genome-Nilou Lab
Classification: Likely benign for Charcot-Marie-Tooth disease axonal type 2X. Review status: criteria provided, single submitter. Criteria: ACMG Guidelines, 2015. Collection method: clinical testing. Allele origin: germline.

Genome-Nilou Lab
Classification: Likely benign for Hereditary spastic paraplegia 11. Review status: criteria provided, single submitter. Criteria: ACMG Guidelines, 2015. Collection method: clinical testing. Allele origin: germline.

Literature cited by the submitters: PubMed 32166880 (cited by Athena Diagnostics); PubMed 32019516 (cited by Athena Diagnostics).